The following is an entry in ClinVar:

NM_000492.4(CFTR):c.1766+2T>A

Gene: CFTR (CF transmembrane conductance regulator; plus strand). Cytogenetic location: 7q31.2.
Variant type: single nucleotide variant.
Coding change: c.1766+2T>A on transcript NM_000492.4 (MANE Select); the canonical splice donor site of the intron after coding-DNA position 1766, T replaced by A.
Molecular consequence: splice donor variant.
Genome position (GRCh38, 1-based): chr7:117,590,441, T>A. VCF-style: chr7-117590441-T-A. GRCh37 (hg19) VCF-style: chr7-117230495-T-A.
Identifiers: ClinVar variation 557448 (VCV000557448.22), dbSNP rs1554389062, ClinGen allele CA368977307.

ClinVar aggregate classification (germline): Pathogenic/Likely pathogenic. Review status: criteria provided, multiple submitters, no conflicts (2 of 4 stars). 8 submissions from 8 submitters: Pathogenic (5); Likely pathogenic (2). 1 of the submissions does not count toward it. Last evaluated 2026-01-11.

Conditions:
Cystic fibrosis (CF). Also called: MUCOVISCIDOSIS. Identifiers: Orphanet 586, MedGen C0010674, MONDO:0009061, OMIM 219700. Disease mechanism: loss of function.
Bronchiectasis with or without elevated sweat chloride 1 (BESC1). Also called: Cystic Fibrosis-Like Syndrome. Identifiers: Orphanet 60033, MedGen C2749757, MONDO:0008887, OMIM 211400.
CFTR-related disorder (CFTR-RD). Also called: CFTR-related disorders; CFTR-related condition. Identifiers: MedGen C5924204, MONDO:7770004.
Hereditary pancreatitis (PCTT). Also called: Hereditary chronic pancreatitis; PRSS1-Related Hereditary Pancreatitis. Identifiers: Orphanet 676, MedGen C0238339, MONDO:0008185, OMIM 167800.
Congenital bilateral aplasia of vas deferens from CFTR mutation (CBAVD). Identifiers: Orphanet 48, MedGen C0403814, MONDO:0010178, OMIM 277180. Disease mechanism: loss of function.

Submissions (8):

Natera, Inc.
Classification: Pathogenic for CFTR-related disorders. Last evaluated: 2026-01-11. Review status: criteria provided, single submitter. Criteria: Natera Variant Classification Schema (03/2026). Collection method: clinical testing. Allele origin: germline.
Comment: The c.1766+2T>A variant in CFTR is a canonical splice donor site variant predicted to affect pre-mRNA splicing, which may result in an abnormal transcript and altered protein product. This variant is expected to result in nonsense mediated decay, truncation, or a dysfunctional protein product. This variant is rare in the general population with a frequency below the threshold expected for the associated phenotype(s). Another variant at this same site results in an alteration predicted to cause a similar molecular effect has been observed in individual(s) with the associated phenotype. Given the available evidence, this variant is classified as Pathogenic.

Women's Health and Genetics/Laboratory Corporation of America, LabCorp
Classification: Pathogenic for Cystic fibrosis. Last evaluated: 2025-12-29. Review status: criteria provided, single submitter. Criteria: LabCorp Variant Classification Summary - May 2015. Collection method: clinical testing. Allele origin: germline.
Comment: Variant summary: CFTR c.1766+2T>A is located in a canonical splice-site and is predicted to affect mRNA splicing resulting in a significantly altered protein due to either exon skipping, shortening, or inclusion of intronic material. Variants that disrupt the consensus splice site are a relatively common cause of aberrant splicing and loss of CFTR function. Several computational tools predict a significant impact on normal splicing: Three predict the variant abolishes a 5' splicing donor site. One predicts the variant strengthens a cryptic 5' donor site. One predicts the variant no significant impact on splicing. However, these predictions have yet to be confirmed by functional studies. The variant was absent in 249234 control chromosomes. c.1766+2T>A has been observed in individual(s) from databases of cohorts affected with Cystic Fibrosis (example, Raraigh_2022). These report(s) do not provide unequivocal conclusions about association of the variant with Cystic Fibrosis. A different variant at this canonical splice donor site has been classified as Pathogenic by our laboratory (c.1766+2T>C). To our knowledge, no experimental evidence demonstrating an impact on protein function has been reported. The following publication has been ascertained in the context of this evaluation (PMID: 34782259). ClinVar contains an entry for this variant (Variation ID: 557448). Based on the evidence outlined above, the variant was classified as pathogenic.

Baylor Genetics
Classification: Pathogenic for Bronchiectasis with or without elevated sweat chloride 1. Last evaluated: 2024-03-06. Review status: criteria provided, single submitter. Criteria: ACMG Guidelines, 2015. Collection method: clinical testing. Allele origin: unknown.

Ambry Genetics
Classification: Likely pathogenic for Cystic fibrosis. Last evaluated: 2024-01-03. Review status: criteria provided, single submitter. Criteria: Ambry Variant Classification Scheme 2023. Collection method: clinical testing. Allele origin: germline.
Comment: The c.1766+2T>A intronic variant results from a T to A substitution two nucleotides after coding exon 13 in the CFTR gene. In silico splice site analysis predicts that this alteration will weaken the native splice donor site. The resulting transcript is predicted to be in-frame and is not expected to trigger nonsense-mediated mRNAdecay; however, direct evidence is unavailable. The exact functional effect of the altered amino acid sequence is unknown; however, the impacted region is critical for protein function (Ambry internal data). This variant was identified in two alleles in a cohort of individuals with cystic fibrosis (Raraigh KS et al. J Cyst Fibros, 2022 May;21:463-470). This nucleotide position is highly conserved in available vertebrate species. Based on the majority of available evidence to date, this variant is likely to be pathogenic.

Labcorp Genetics (formerly Invitae), Labcorp
Classification: Pathogenic for Cystic fibrosis. Last evaluated: 2022-06-15. Review status: criteria provided, single submitter. Criteria: Invitae Variant Classification Sherloc (09022015). Collection method: clinical testing. Allele origin: germline.
Comment: This variant is not present in population databases (gnomAD no frequency). This sequence change affects a donor splice site in intron 13 of the CFTR gene. RNA analysis indicates that disruption of this splice site induces altered splicing and likely results in a shortened protein product. Disruption of this splice site has been observed in individuals with cystic fibrosis (PMID: 1284540, 20052365, 24586523). For these reasons, this variant has been classified as Pathogenic. Studies have shown that disruption of this splice site results in skipping of exon 13, but is expected to preserve the integrity of the reading-frame (PMID: 1284540). ClinVar contains an entry for this variant (Variation ID: 557448).

Fulgent Genetics
Classification: Likely pathogenic for Hereditary pancreatitis; Bronchiectasis with or without elevated sweat chloride 1; Cystic fibrosis; Congenital bilateral aplasia of vas deferens from CFTR mutation. Last evaluated: 2022-02-15. Review status: criteria provided, single submitter. Criteria: ACMG Guidelines, 2015. Collection method: clinical testing. Allele origin: unknown.

Eurofins Ntd Llc (ga)
Classification: Pathogenic. Last evaluated: 2018-08-31. Review status: criteria provided, single submitter. Criteria: EGL ClinVar v180209 classification definitions. Collection method: clinical testing. Allele origin: germline. Observed: 1 variant allele, 1 heterozygote.

Counsyl
Classification: Likely pathogenic for Cystic fibrosis. Last evaluated: 2018-03-26. Review status: no assertion criteria provided. Collection method: clinical testing. Allele origin: unknown. Not counted in ClinVar's aggregate classification.

Literature cited by the submitters: PubMed 34782259 (cited by Women's Health and Genetics/Laboratory Corporation of America, LabCorp and Ambry Genetics); PubMed 1284540 (cited by Labcorp Genetics (formerly Invitae), Labcorp); PubMed 20052365 (cited by Labcorp Genetics (formerly Invitae), Labcorp); PubMed 24586523 (cited by Labcorp Genetics (formerly Invitae), Labcorp).